The following is an entry in ClinVar:

ClinVar aggregate classification (germline): Likely benign (1 of 4 stars; one submission).

Conditions:
GREB1L-related disorder. Also called: GREB1L-related condition.

gnomAD v4.1: 8 of 1,551,518 alleles (0.00052%); highest among the groups gnomAD compares: East Asian, 0.0073%; no homozygotes.

Submission:

PreventionGenetics, part of Exact Sciences
Classification: Likely benign for GREB1L-related condition. Last evaluated: 2025-03-27. Review status: criteria provided, single submitter. Criteria: ACMG Guidelines, 2015. Collection method: clinical testing. Allele origin: germline.
Comment: This variant is classified as likely benign based on ACMG/AMP sequence variant interpretation guidelines (Richards et al. 2015 PMID: 25741868, with internal and published modifications).

NM_001142966.3(GREB1L):c.4422A>G (p.Glu1474=)

Gene: GREB1L (GREB1 like retinoic acid receptor coactivator; plus strand). Cytogenetic location: 18q11.2.
Variant type: single nucleotide variant.
Coding change: c.4422A>G on transcript NM_001142966.3 (MANE Select); coding-DNA position 4422, A replaced by G.
Protein change: p.Glu1474=; no amino-acid change (glutamic acid 1474 retained).
Molecular consequence: synonymous variant.
Genome position (GRCh38, 1-based): chr18:21,508,171, A>G. VCF-style: chr18-21508171-A-G. GRCh37 (hg19) VCF-style: chr18-19088132-A-G.
Other names: c.4551A>G, p.Glu1517= (NM_001410867.1); c.4095A>G, p.Glu1365= (NM_001410868.1).
Identifiers: ClinVar variation 4979772 (VCV004979772.1).